The following is an entry in ClinVar:

ClinVar aggregate classification (germline): Likely benign. Review status: criteria provided, single submitter (1 of 4 stars). 2 submissions from 2 submitters: Likely benign (1). 1 of the submissions does not count toward it. Last evaluated 2023-06-24.

Conditions:
Bardet-Biedl syndrome (BBS). Identifiers: Orphanet 110, MedGen C0752166, MONDO:0015229.
BBS9-related disorder. Also called: BBS9-related condition.

Allele frequency attached by ClinVar (database versions not stated): gnomAD exomes below 0.00001; ExAC 0.00001; gnomAD 0.00001.
gnomAD v4.1: 3 of 1,588,832 alleles (0.00019%); highest among the groups gnomAD compares: Non-Finnish European, 0.00026%; no homozygotes.

Submissions (2):

Labcorp Genetics (formerly Invitae), Labcorp
Classification: Likely benign for Bardet-Biedl syndrome. Last evaluated: 2023-06-24. Review status: criteria provided, single submitter. Criteria: Invitae Variant Classification Sherloc (09022015). Collection method: clinical testing. Allele origin: germline.

PreventionGenetics, part of Exact Sciences
Classification: Likely benign for BBS9-related condition. Last evaluated: 2024-06-25. Review status: no assertion criteria provided. Collection method: clinical testing. Allele origin: germline. Not counted in ClinVar's aggregate classification.
Comment: This variant is classified as likely benign based on ACMG/AMP sequence variant interpretation guidelines (Richards et al. 2015 PMID: 25741868, with internal and published modifications).

NM_198428.3(BBS9):c.2522-7C>A

Gene: BBS9 (Bardet-Biedl syndrome 9; plus strand). Cytogenetic location: 7p14.3.
Variant type: single nucleotide variant.
Coding change: c.2522-7C>A on transcript NM_198428.3 (MANE Select); 7 bases into the intron before coding-DNA position 2522, C replaced by A.
Molecular consequence: intron variant.
Genome position (GRCh38, 1-based): chr7:33,604,858, C>A. VCF-style: chr7-33604858-C-A. GRCh37 (hg19) VCF-style: chr7-33644470-C-A.
Other names: c.2522-7C>A (NM_198428.2, NM_001348036.1, NM_001348041.4 and 1 more transcripts); c.2522-30319C>A (NM_001362679.1); c.2249-7C>A (NM_001348038.3); c.2144-7C>A (NM_001348039.3); c.2507-7C>A (NM_001033605.2); c.2417-7C>A (NM_001033604.2); c.2402-7C>A (NM_014451.4, NM_001348040.3); c.1973-7C>A (NM_001348037.3); and 3 more.
Identifiers: ClinVar variation 1921876 (VCV001921876.6), dbSNP rs757253837, ClinGen allele CA4214722.